The following is an entry in ClinVar:

NM_001754.5(RUNX1):c.506G>T (p.Arg169Ile)

Genes: RUNX1 (RUNX family transcription factor 1; minus strand), RUNX1-AS1 (RUNX1 antisense RNA 1; plus strand). Cytogenetic location: 21q22.12.
Variant type: single nucleotide variant.
Coding change: c.506G>T on transcript NM_001754.5 (MANE Select); coding-DNA position 506, G replaced by T.
Protein change: p.Arg169Ile; replaces arginine 169 with isoleucine.
Molecular consequence: missense variant.
Genome position (GRCh38, 1-based): chr21:34,880,559, C>A on the plus strand (G>T on the coding strand, the complement: RUNX1 is on the minus strand). VCF-style: chr21-34880559-C-A. GRCh37 (hg19) VCF-style: chr21-36252856-C-A.
Other names: NM_001754.5(RUNX1):c.506G>T; p.Arg169Ile; c.425G>T, p.Arg142Ile (NM_001001890.3, NM_001122607.2); short protein forms R142I, R169I.
Identifiers: ClinVar variation 869207 (VCV000869207.2), dbSNP rs2057883934, ClinGen allele CA410202469.
Genomic context (GRCh38, chr21:34,880,559, plus strand): 5'-AAATGTGGGTTTGTTGCCATGAAACGTGTTTCAAGCATAGTTTTGACAGATAACGTACCT[C>A]TTCCACTTCGACCGACAAACCTGAGGTCATTAAATCTTGCAACCTGGTTCTTCATGGCTG-3'
Protein context (NP_001745.2, residues 159-179): NDLRFVGRSG[Arg169Ile]GKSFTLTITV

ClinVar aggregate classification (germline): Likely pathogenic (3 of 4 stars; one submission).

Conditions:
Hereditary thrombocytopenia and hematologic cancer predisposition syndrome. Identifiers: Orphanet 71290, MedGen CN281654, MONDO:0011071.

Submission:

ClinGen Myeloid Malignancy Variant Curation Expert Panel
Classification: Likely pathogenic for Hereditary thrombocytopenia and hematologic cancer predisposition syndrome. Last evaluated: 2026-10-02. Review status: reviewed by expert panel. Criteria: ClinGen MyeloMalig ACMG Specifications V3.1. Collection method: curation. Allele origin: germline. Inheritance: Autosomal dominant inheritance.
Comment: NM_001754.5(RUNX1):c.506G>T (p.Arg169Ile) is a missense variant which affects one of the hotspot residues (Arg169) within the RHD (amino acids 89-204; PM1_Strong). This variant has a REVEL score ≥ 0.88 (0.94) (PP3) and is completely absent from all population databases with at least 20x coverage for RUNX1 (PM2_Supporting). This variant has been reported in one proband meeting at least one of the RUNX1-phenotypic criteria (PS4_Supporting; PMID: 32208489). In summary, this variant meets criteria to be classified as likely pathogenic. ACMG/AMP criteria applied, as specified by the Myeloid Malignancy Variant Curation Expert Panel for RUNX1: PM1_Strong, PP3, PM2_Supporting, PS4_Supporting.